The following is an entry in ClinVar:

NM_005634.3(SOX3):c.850C>T (p.Pro284Ser)

Gene: SOX3 (SRY-box transcription factor 3; minus strand). Cytogenetic location: Xq27.1.
Variant type: single nucleotide variant.
Coding change: c.850C>T on transcript NM_005634.3 (MANE Select); coding-DNA position 850, C replaced by T.
Protein change: p.Pro284Ser; replaces proline 284 with serine.
Molecular consequence: missense variant.
Genome position (GRCh38, 1-based): chrX:140,504,211, G>A on the plus strand (C>T on the coding strand, the complement: SOX3 is on the minus strand). VCF-style: chrX-140504211-G-A. GRCh37 (hg19) VCF-style: chrX-139586376-G-A.
Other names: short protein forms P284S.
Identifiers: ClinVar variation 2904157 (VCV002904157.3), dbSNP rs905004427, ClinGen allele CA336480997.

ClinVar aggregate classification (germline): Uncertain significance (1 of 4 stars; one submission).

Allele frequency attached by ClinVar (database versions not stated): gnomAD exomes below 0.00001.
gnomAD v4.1: 4 of 1,099,507 alleles (0.00036%); highest among the groups gnomAD compares: African/African-American, 0.0038%; no homozygotes.

Submission:

Labcorp Genetics (formerly Invitae), Labcorp
Classification: Uncertain significance. Last evaluated: 2022-11-01. Review status: criteria provided, single submitter. Criteria: Invitae Variant Classification Sherloc (09022015). Collection method: clinical testing. Allele origin: germline.
Comment: This sequence change replaces proline, which is neutral and non-polar, with serine, which is neutral and polar, at codon 284 of the SOX3 protein (p.Pro284Ser). In summary, the available evidence is currently insufficient to determine the role of this variant in disease. Therefore, it has been classified as a Variant of Uncertain Significance. Advanced modeling of protein sequence and biophysical properties (such as structural, functional, and spatial information, amino acid conservation, physicochemical variation, residue mobility, and thermodynamic stability) performed at Invitae indicates that this missense variant is not expected to disrupt SOX3 protein function. This variant has not been reported in the literature in individuals affected with SOX3-related conditions. This variant is not present in population databases (gnomAD no frequency).